The following is an entry in ClinVar:

ClinVar aggregate classification (germline): Uncertain significance (1 of 4 stars; one submission).

Allele frequency attached by ClinVar (database versions not stated): gnomAD exomes below 0.00001; TOPMed below 0.00001.
gnomAD v4.1: 3 of 1,612,000 alleles (0.00019%); highest among the groups gnomAD compares: Admixed American, 0.0017%; no homozygotes.

Submission:

Ambry Genetics
Classification: Uncertain significance. Last evaluated: 2024-10-25. Review status: criteria provided, single submitter. Criteria: Ambry Variant Classification Scheme 2023. Collection method: clinical testing. Allele origin: germline.
Comment: The p.E266A variant (also known as c.797A>C), located in coding exon 8 of the BUB1 gene, results from an A to C substitution at nucleotide position 797. The glutamic acid at codon 266 is replaced by alanine, an amino acid with dissimilar properties. This amino acid position is conserved. In addition, this alteration is predicted to be tolerated by in silico analysis. Since supporting evidence is limited at this time, the clinical significance of this alteration remains unclear.

NM_004336.5(BUB1):c.797A>C (p.Glu266Ala)

Gene: BUB1 (BUB1 mitotic checkpoint serine/threonine kinase; minus strand). Cytogenetic location: 2q13.
Variant type: single nucleotide variant.
Coding change: c.797A>C on transcript NM_004336.5 (MANE Select); coding-DNA position 797, A replaced by C.
Protein change: p.Glu266Ala; replaces glutamic acid 266 with alanine.
Molecular consequence: missense variant.
Genome position (GRCh38, 1-based): chr2:110,667,529, T>G on the plus strand (A>C on the coding strand, the complement: BUB1 is on the minus strand). VCF-style: chr2-110667529-T-G. GRCh37 (hg19) VCF-style: chr2-111425106-T-G.
Other names: c.737A>C, p.Glu246Ala (NM_001278616.2); c.797A>C, p.Glu266Ala (NM_001278617.2); short protein forms E266A, E246A.
Identifiers: ClinVar variation 1761444 (VCV001761444.3), dbSNP rs1375012958, ClinGen allele CA348217452.